The following is an entry in ClinVar:

NM_004655.4(AXIN2):c.356A>G (p.Gln119Arg)

Gene: AXIN2 (axin 2; minus strand). Cytogenetic location: 17q24.1.
Variant type: single nucleotide variant.
Coding change: c.356A>G on transcript NM_004655.4 (MANE Select); coding-DNA position 356, A replaced by G.
Protein change: p.Gln119Arg; replaces glutamine 119 with arginine.
Molecular consequence: missense variant.
Genome position (GRCh38, 1-based): chr17:65,558,265, T>C on the plus strand (A>G on the coding strand, the complement: AXIN2 is on the minus strand). VCF-style: chr17-65558265-T-C. GRCh37 (hg19) VCF-style: chr17-63554383-T-C.
Other names: c.356A>G (LRG_296t1); c.356A>G, p.Gln119Arg (NM_001363813.1); short protein forms Q119R.
Identifiers: ClinVar variation 234271 (VCV000234271.23), dbSNP rs777282977, ClinGen allele CA8719060.

ClinVar aggregate classification (germline): Uncertain significance. Review status: criteria provided, multiple submitters, no conflicts (2 of 4 stars). 7 submissions from 7 submitters: Uncertain significance (7). Last evaluated 2026-09-15.

Conditions:
AXIN2-related disorder.
Colorectal cancer. Also called: Colorectal cancer, somatic; Malignant Colorectal Neoplasm. Identifiers: MedGen C0346629, MONDO:0005575, OMIM 114500.
Hereditary cancer-predisposing syndrome. Also called: Neoplastic Syndromes, Hereditary; Hereditary neoplastic syndrome; Hereditary Cancer Syndrome; Tumor predisposition. Identifiers: Orphanet 140162, MedGen C0027672, MeSH D009386, MONDO:0015356.
Oligodontia-cancer predisposition syndrome. Also called: TOOTH AGENESIS-COLORECTAL CANCER SYNDROME. Identifiers: Orphanet 300576, MedGen C1837750, MONDO:0012075, OMIM 608615. Disease mechanism: loss of function.

Allele frequency attached by ClinVar (database versions not stated): TOPMed 0.00004; gnomAD 0.00002.
gnomAD v4.1: 27 of 1,614,110 alleles (0.0017%); highest among the groups gnomAD compares: Middle Eastern, 0.016%; no homozygotes.

Submissions (7):

PreventionGenetics, part of Exact Sciences
Classification: Uncertain significance for AXIN2-related condition. Last evaluated: 2026-09-15. Review status: criteria provided, single submitter. Criteria: ACMG Guidelines, 2015. Collection method: clinical testing. Allele origin: germline.
Comment: The AXIN2 c.356A>G variant is predicted to result in the amino acid substitution p.Gln119Arg. To our knowledge, this variant has not been reported in the literature. It is reported in 0.0040% of alleles in individuals of African descent in gnomAD and is classified as uncertain in ClinVar (Variation ID: 234271). At this time, the clinical significance of this variant is uncertain due to the absence of conclusive functional and genetic evidence.

Labcorp Genetics (formerly Invitae), Labcorp
Classification: Uncertain significance for Oligodontia-cancer predisposition syndrome. Last evaluated: 2025-11-21. Review status: criteria provided, single submitter. Criteria: Invitae Variant Classification Sherloc (09022015). Collection method: clinical testing. Allele origin: germline.
Comment: This sequence change replaces glutamine, which is neutral and polar, with arginine, which is basic and polar, at codon 119 of the AXIN2 protein (p.Gln119Arg). This variant is present in population databases (rs777282977, gnomAD 0.002%). This variant has not been reported in the literature in individuals affected with AXIN2-related conditions. ClinVar contains an entry for this variant (Variation ID: 234271). Invitae Evidence Modeling of protein sequence and biophysical properties (such as structural, functional, and spatial information, amino acid conservation, physicochemical variation, residue mobility, and thermodynamic stability) has been performed for this missense variant. However, the output from this modeling did not meet the statistical confidence thresholds required to predict the impact of this variant on AXIN2 protein function. In summary, the available evidence is currently insufficient to determine the role of this variant in disease. Therefore, it has been classified as a Variant of Uncertain Significance.

GeneDx
Classification: Uncertain significance. Last evaluated: 2025-01-21. Review status: criteria provided, single submitter. Criteria: GeneDx Variant Classification Process June 2021. Collection method: clinical testing. Allele origin: germline. Affected: yes.
Comment: Not observed at significant frequency in large population cohorts (gnomAD); In silico analysis indicates that this missense variant does not alter protein structure/function; Has not been previously published as pathogenic or benign to our knowledge; This variant is associated with the following publications: (PMID: 15735151)

Ambry Genetics
Classification: Uncertain significance for Hereditary cancer-predisposing syndrome. Last evaluated: 2024-12-25. Review status: criteria provided, single submitter. Criteria: Ambry Variant Classification Scheme 2023. Collection method: clinical testing. Allele origin: germline.

Quest Diagnostics Nichols Institute San Juan Capistrano
Classification: Uncertain significance. Last evaluated: 2024-10-09. Review status: criteria provided, single submitter. Criteria: Quest Diagnostics criteria. Collection method: clinical testing. Allele origin: unknown.
Comment: The AXIN2 c.356A>G (p.Gln119Arg) variant has not been reported in individuals with AXIN2-related conditions in the published literature. The frequency of this variant in the general population, 0.000011 (3/282900 chromosomes (Genome Aggregation Database)), is uninformative in the assessment of its pathogenicity. Analysis of this variant using bioinformatics tools for the prediction of the effect of amino acid changes on protein structure and function yielded predictions that this variant is benign. Based on the available information, we are unable to determine the clinical significance of this variant.

Baylor Genetics
Classification: Uncertain significance for Colorectal cancer. Last evaluated: 2024-01-05. Review status: criteria provided, single submitter. Criteria: ACMG Guidelines, 2015. Collection method: clinical testing. Allele origin: unknown.

Breakthrough Genomics
Classification: Uncertain significance. Review status: criteria provided, single submitter. Criteria: ACMG Guidelines, 2015. Collection method: not provided. Allele origin: germline. Inheritance: Autosomal recessive inheritance. Affected: yes.